The following is an entry in ClinVar:

NM_007294.4(BRCA1):c.4928C>A (p.Thr1643Lys)

Gene: BRCA1 (BRCA1 DNA repair associated; minus strand). Cytogenetic location: 17q21.31.
Variant type: single nucleotide variant.
Coding change: c.4928C>A on transcript NM_007294.4 (MANE Select); coding-DNA position 4928, C replaced by A.
Protein change: p.Thr1643Lys; replaces threonine 1643 with lysine.
Molecular consequence: missense variant. On other transcripts: non-coding transcript variant (1).
Genome position (GRCh38, 1-based): chr17:43,070,986, G>T on the plus strand (C>A on the coding strand, the complement: BRCA1 is on the minus strand). VCF-style: chr17-43070986-G-T. GRCh37 (hg19) VCF-style: chr17-41223003-G-T.
Other names: c.4715C>A, p.Thr1572Lys (NM_001407571.1, NM_001407894.1, NM_001407895.1 and 12 more transcripts); c.4994C>A, p.Thr1665Lys (NM_001407581.1, NM_001407582.1); c.4991C>A, p.Thr1664Lys (NM_001407583.1, NM_001407585.1, NM_001407587.1 and 1 more transcripts); c.4988C>A, p.Thr1663Lys (NM_001407590.1, NM_001407591.1); c.4928C>A, p.Thr1643Lys (NM_001407593.1, NM_001407594.1, NM_001407596.1 and 8 more transcripts); c.4925C>A, p.Thr1642Lys (NM_001407616.1, NM_001407617.1, NM_001407618.1 and 17 more transcripts); c.4922C>A, p.Thr1641Lys (NM_001407635.1, NM_001407636.1, NM_001407637.1 and 14 more transcripts); c.4919C>A, p.Thr1640Lys (NM_001407644.1, NM_001407645.1); and 70 more; short protein forms T1664K, T1596K, T539K, T1643K, T1516K, T1531K, T1553K, T1572K.
Identifiers: ClinVar variation 865427 (VCV000865427.3), dbSNP rs2052375394, ClinGen allele CA10591666.

Conditions:
Breast-ovarian cancer, familial, susceptibility to, 1 (BROVCA1). Also called: BRCA1 Hereditary Breast and Ovarian Cancer; OVARIAN CANCER, SUSCEPTIBILITY TO. Identifiers: Orphanet 145, MedGen C2676676, MONDO:0011450, OMIM 604370. Disease mechanism: loss of function.

Submission:

Brotman Baty Institute, University of Washington
No classification provided (evidence only). Condition: Breast-ovarian cancer, familial 1. Review status: no classification provided. Collection method: in vitro. Allele origin: not applicable. Functional consequence: functionally_normal.
ClinVar note: "not provided" was previously submitted as the classification for the variant. However, the classification appeared to be based only on an observation of functional data so it was converted to no classification on 2025-07-30.